The following is an entry in ClinVar:

NM_005263.5(GFI1):c.139G>A (p.Ala47Thr)

Gene: GFI1 (growth factor independent 1 transcriptional repressor; minus strand). Cytogenetic location: 1p22.1.
Variant type: single nucleotide variant.
Coding change: c.139G>A on transcript NM_005263.5 (MANE Select); coding-DNA position 139, G replaced by A.
Protein change: p.Ala47Thr; replaces alanine 47 with threonine.
Molecular consequence: missense variant.
Genome position (GRCh38, 1-based): chr1:92,483,023, C>T on the plus strand (G>A on the coding strand, the complement: GFI1 is on the minus strand). VCF-style: chr1-92483023-C-T. GRCh37 (hg19) VCF-style: chr1-92948580-C-T.
Other names: c.139G>A, p.Ala47Thr (NM_001127215.3, NM_001127216.3); short protein forms A47T.
Identifiers: ClinVar variation 4671591 (VCV004671591.1).
Genomic context (GRCh38, chr1:92,483,023, plus strand): 5'-TGTCTGGGGCTTCGGTCAGCTGCGATTCGGGGGACAAACGGTCCCGGGGCTCCGCCTTCG[C>T]CCCGCCTGCATTTGAAGTGCTGTCTGCAAAGAGGAGGCAGGTGAGGGGCTCAGGCTGGGA-3'
Protein context (NP_005254.2, residues 37-57): RADSTSNAGG[Ala47Thr]KAEPRDRLSP

ClinVar aggregate classification (germline): Uncertain significance (1 of 4 stars; one submission).

Submission:

Ambry Genetics
Classification: Uncertain significance. Last evaluated: 2025-11-04. Review status: criteria provided, single submitter. Criteria: Ambry Variant Classification Scheme 2023. Collection method: clinical testing. Allele origin: germline.
Comment: The p.A47T variant (also known as c.139G>A), located in coding exon 2 of the GFI1 gene, results from a G to A substitution at nucleotide position 139. The alanine at codon 47 is replaced by threonine, an amino acid with similar properties. This amino acid position is conserved. In addition, this alteration is predicted to be tolerated by in silico analysis. Based on the available evidence, the clinical significance of this variant remains unclear.